The following is an entry in ClinVar:

NM_001122681.2(SH3BP2):c.1549-5dup

Gene: SH3BP2 (SH3 domain binding protein 2; plus strand). Cytogenetic location: 4p16.3.
Variant type: Duplication.
Coding change: c.1549-5dup on transcript NM_001122681.2 (MANE Select); 5 bases into the intron before coding-DNA position 1549, one base duplicated (C; older notation c.1549-5dupC).
Molecular consequence: intron variant.
Genome position (GRCh38, 1-based): chr4:2,833,692, C duplicated; the last of 5 consecutive C bases (chr4:2,833,688-2,833,692); duplicating any one gives the same sequence. VCF-style (leftmost placement, unchanged base first): chr4-2833687-T-TC. GRCh37 (hg19) VCF-style: chr4-2835414-T-TC.
Other names: p.?; c.1633-5dup (NM_001145855.2); c.1720-5dup (NM_001145856.2); c.1549-5dup (NM_003023.4); c.1549-5dupC (NM_003023.4).
Identifiers: ClinVar variation 1095652 (VCV001095652.12), dbSNP rs781203929, ClinGen allele CA2819629.
Genomic context (GRCh38, chr4:2,833,687, plus strand): 5'-GGGGAGACTGAGGCCTAGAGCCGCAGAGTGGCCTGGCCCTGCTGACGCTCCCCCTTCTCT[T>TC]CCCCCACAGGACTCTAAGTTCTACCTGGAGGGCGAGGTCCTGTTTGTGAGTGTGGGCAGC-3'

ClinVar aggregate classification (germline): Benign/Likely benign. Review status: criteria provided, multiple submitters, no conflicts (2 of 4 stars). 4 submissions from 4 submitters: Benign (1); Likely benign (3). Last evaluated 2026-02-12.

Conditions:
Fibrous dysplasia of jaw (CRBM). Also called: Cherubism. Identifiers: Orphanet 184, MedGen C0008029, MONDO:0007315, OMIM 118400.

Submissions (4):

Women's Health and Genetics/Laboratory Corporation of America, LabCorp
Classification: Benign. Last evaluated: 2026-02-12. Review status: criteria provided, single submitter. Criteria: LabCorp Variant Classification Summary - May 2015. Collection method: clinical testing. Allele origin: germline.
Comment: Variant summary: SH3BP2 c.1549-5dupC alters a nucleotide located at a position not widely known to affect splicing. Consensus agreement among computation tools predict no significant impact on normal splicing. However, these predictions have yet to be confirmed by functional studies. The variant allele was found at a frequency of 3.7e-05 in 271192 control chromosomes. The observed variant frequency exceeds the estimated maximal expected allele frequency for disease-causing variants in SH3BP2. To our knowledge, no occurrence of c.1549-5dupC in individuals affected with SH3BP2-related conditions and no experimental evidence demonstrating its impact on protein function have been reported. ClinVar contains an entry for this variant (Variation ID: 1095652). Based on the evidence outlined above, the variant was classified as benign.

Labcorp Genetics (formerly Invitae), Labcorp
Classification: Likely benign for Fibrous dysplasia of jaw. Last evaluated: 2026-01-28. Review status: criteria provided, single submitter. Criteria: Invitae Variant Classification Sherloc (09022015). Collection method: clinical testing. Allele origin: germline.

Mayo Clinic Laboratories, Mayo Clinic
Classification: Likely benign. Last evaluated: 2025-10-24. Review status: criteria provided, single submitter. Criteria: ACMG Guidelines, 2015. Collection method: clinical testing. Allele origin: germline. Observed: 1 variant allele.
Comment: BP4, BP7

Blueprint Genetics
Classification: Likely benign. Last evaluated: 2024-06-27. Review status: criteria provided, single submitter. Criteria: ACMG Guidelines, 2015. Collection method: clinical testing. Allele origin: germline.